The following is an entry in ClinVar:

NM_006421.5(ARFGEF1):c.3978T>C (p.Cys1326=)

Gene: ARFGEF1 (ARF guanine nucleotide exchange factor 1; minus strand). Cytogenetic location: 8q13.2.
Variant type: single nucleotide variant.
Coding change: c.3978T>C on transcript NM_006421.5 (MANE Select); coding-DNA position 3978, T replaced by C.
Protein change: p.Cys1326=; no amino-acid change (cysteine 1326 retained).
Molecular consequence: synonymous variant. On other transcripts: non-coding transcript variant (1).
Genome position (GRCh38, 1-based): chr8:67,226,122, A>G on the plus strand (T>C on the coding strand, the complement: ARFGEF1 is on the minus strand). VCF-style: chr8-67226122-A-G. GRCh37 (hg19) VCF-style: chr8-68138357-A-G.
Other names: c.3378T>C, p.Cys1126= (NM_001413197.1, NM_001413188.1, NM_001413193.1); c.3978T>C, p.Cys1326= (NM_001413184.1, NM_001413185.1, NM_001413186.1 and 6 more transcripts); c.3972T>C, p.Cys1324= (NM_001413190.1); c.2553T>C, p.Cys851= (NM_001413196.1).
Identifiers: ClinVar variation 2658638 (VCV002658638.24), dbSNP rs2491352480, ClinGen allele CA461298154.

ClinVar aggregate classification (germline): Uncertain significance (1 of 4 stars; one submission).

Allele frequency attached by ClinVar (database versions not stated): gnomAD exomes below 0.00001.
gnomAD v4.1: 1 of 1,613,316 alleles (0.000062%); highest among the groups gnomAD compares: Non-Finnish European, 0.000085%; no homozygotes.

Submission:

CeGaT Center for Human Genetics Tuebingen
Classification: Uncertain significance. Last evaluated: 2023-10-01. Review status: criteria provided, single submitter. Criteria: CeGaT Center For Human Genetics Tuebingen Variant Classification Criteria Version 2. Collection method: clinical testing. Allele origin: germline. Affected: yes. Observed: 1 variant allele.
Comment: ARFGEF1: PM2:Supporting, BP4